The following is an entry in ClinVar:

ClinVar aggregate classification (germline): Likely benign (0 of 4 stars; one submission).

Conditions:
SEMA3F-related disorder. Also called: SEMA3F-related condition.

Submission:

PreventionGenetics, part of Exact Sciences
Classification: Likely benign for SEMA3F-related condition. Last evaluated: 2022-10-28. Review status: no assertion criteria provided. Collection method: clinical testing. Allele origin: germline.
Comment: This variant is classified as likely benign based on ACMG/AMP sequence variant interpretation guidelines (Richards et al. 2015 PMID: 25741868, with internal and published modifications).

NM_004186.5(SEMA3F):c.336+7T>G

Gene: SEMA3F (semaphorin 3F; plus strand). Cytogenetic location: 3p21.31.
Variant type: single nucleotide variant.
Coding change: c.336+7T>G on transcript NM_004186.5 (MANE Select); 7 bases into the intron after coding-DNA position 336, T replaced by G.
Molecular consequence: intron variant.
Genome position (GRCh38, 1-based): chr3:50,174,121, T>G. VCF-style: chr3-50174121-T-G. GRCh37 (hg19) VCF-style: chr3-50211554-T-G.
Other names: c.132+7T>G (NM_001318798.2); c.336+7T>G (NM_001318800.2).
Identifiers: ClinVar variation 3055194 (VCV003055194.2), dbSNP rs2546080859, ClinGen allele CA2577813064.
Genomic context (GRCh38, chr3:50,174,121, plus strand): 5'-GCAGCCTCCCCACAGCGCATCGAGGAATGCGTGCTCTCAGGCAAGGATGTCAACGTGAGT[T>G]TGGTGGGATCCACAGGTGGGAAGGGGGAATCCACAGGTGGGAAGGTACTGCCCCCAGTGA-3'